The following is an entry in ClinVar:

ClinVar aggregate classification (germline): Uncertain significance (1 of 4 stars; one submission).

Submission:

CeGaT Center for Human Genetics Tuebingen
Classification: Uncertain significance. Last evaluated: 2022-04-01. Review status: criteria provided, single submitter. Criteria: CeGaT Center For Human Genetics Tuebingen Variant Classification Criteria Version 2. Collection method: clinical testing. Allele origin: germline. Affected: yes. Observed: 1 variant allele.
Comment: PHF5A: PM2, PP3

NM_032758.4(PHF5A):c.77G>T (p.Cys26Phe)

Gene: PHF5A (PHD finger protein 5A; minus strand). Cytogenetic location: 22q13.2.
Variant type: single nucleotide variant.
Coding change: c.77G>T on transcript NM_032758.4 (MANE Select); coding-DNA position 77, G replaced by T.
Protein change: p.Cys26Phe; replaces cysteine 26 with phenylalanine.
Molecular consequence: missense variant.
Genome position (GRCh38, 1-based): chr22:41,467,614, C>A on the plus strand (G>T on the coding strand, the complement: PHF5A is on the minus strand). VCF-style: chr22-41467614-C-A. GRCh37 (hg19) VCF-style: chr22-41863618-C-A.
Other names: short protein forms C26F.
Identifiers: ClinVar variation 2653229 (VCV002653229.24), dbSNP rs2518187284, ClinGen allele CA411703964.